The following is an entry in ClinVar:

ClinVar aggregate classification (germline): Uncertain significance (1 of 4 stars; one submission).

Conditions:
Hereditary cancer-predisposing syndrome. Also called: Hereditary Cancer Syndrome; Hereditary neoplastic syndrome; Neoplastic Syndromes, Hereditary; Tumor predisposition. Identifiers: Orphanet 140162, MedGen C0027672, MeSH D009386, MONDO:0015356.

Submission:

Ambry Genetics
Classification: Uncertain significance for Hereditary cancer-predisposing syndrome. Last evaluated: 2025-08-08. Review status: criteria provided, single submitter. Criteria: Ambry Variant Classification Scheme 2023. Collection method: clinical testing. Allele origin: germline.
Comment: The p.D33V variant (also known as c.98A>T), located in coding exon 1 of the FANCC gene, results from an A to T substitution at nucleotide position 98. The aspartic acid at codon 33 is replaced by valine, an amino acid with highly dissimilar properties. This amino acid position is conserved. In addition, this alteration is predicted to be deleterious by in silico analysis. Since supporting evidence is limited at this time, the clinical significance of this alteration remains unclear.

NM_000136.3(FANCC):c.98A>T (p.Asp33Val)

Gene: FANCC (FA complementation group C; minus strand). Cytogenetic location: 9q22.32.
Variant type: single nucleotide variant.
Coding change: c.98A>T on transcript NM_000136.3 (MANE Select); coding-DNA position 98, A replaced by T.
Protein change: p.Asp33Val; replaces aspartic acid 33 with valine.
Molecular consequence: missense variant.
Genome position (GRCh38, 1-based): chr9:95,249,194, T>A on the plus strand (A>T on the coding strand, the complement: FANCC is on the minus strand). VCF-style: chr9-95249194-T-A. GRCh37 (hg19) VCF-style: chr9-98011476-T-A.
Other names: c.98A>T, p.Asp33Val (NM_001243743.2, NM_001243744.2); short protein forms D33V.
Identifiers: ClinVar variation 1768539 (VCV001768539.3), dbSNP rs2542861322, ClinGen allele CA374340336.